The following is an entry in ClinVar:

ClinVar aggregate classification (germline): Uncertain significance (1 of 4 stars; one submission).

Conditions:
Accelerated tumor formation, susceptibility to (ACTFS). Identifiers: MedGen C3280690, OMIM 614401, MONDO:0013733.

Allele frequency attached by ClinVar (database versions not stated): TOPMed below 0.00001; ExAC 0.00001; gnomAD 0.00001; gnomAD exomes 0.00001.
gnomAD v4.1: 8 of 1,612,994 alleles (0.0005%); highest among the groups gnomAD compares: Admixed American, 0.013%; no homozygotes.

Submission:

Labcorp Genetics (formerly Invitae), Labcorp
Classification: Uncertain significance for Accelerated tumor formation, susceptibility to. Last evaluated: 2022-04-09. Review status: criteria provided, single submitter. Criteria: Invitae Variant Classification Sherloc (09022015). Collection method: clinical testing. Allele origin: germline.
Comment: This sequence change replaces glutamine, which is neutral and polar, with glutamic acid, which is acidic and polar, at codon 141 of the MDM2 protein (p.Gln141Glu). This variant is present in population databases (rs759861388, gnomAD 0.01%). This variant has not been reported in the literature in individuals affected with MDM2-related conditions. Algorithms developed to predict the effect of missense changes on protein structure and function output the following: SIFT: "Deleterious"; PolyPhen-2: "Benign"; Align-GVGD: "Class C0". The glutamic acid amino acid residue is found in multiple mammalian species, which suggests that this missense change does not adversely affect protein function. In summary, the available evidence is currently insufficient to determine the role of this variant in disease. Therefore, it has been classified as a Variant of Uncertain Significance.

NM_002392.6(MDM2):c.421C>G (p.Gln141Glu)

Gene: MDM2 (MDM2 proto-oncogene; plus strand). Cytogenetic location: 12q15.
Variant type: single nucleotide variant.
Coding change: c.421C>G on transcript NM_002392.6 (MANE Select); coding-DNA position 421, C replaced by G.
Protein change: p.Gln141Glu; replaces glutamine 141 with glutamic acid.
Molecular consequence: missense variant. On other transcripts: intron variant (3).
Genome position (GRCh38, 1-based): chr12:68,824,425, C>G. VCF-style: chr12-68824425-C-G. GRCh37 (hg19) VCF-style: chr12-69218205-C-G.
Other names: c.403C>G, p.Gln135Glu (NM_001145337.3, NM_001367990.1); c.358+4051C>G (NM_001145339.2); c.156+10797C>G (NM_001278462.2, NM_001145340.3); short protein forms Q141E, Q135E.
Identifiers: ClinVar variation 2179863 (VCV002179863.4), dbSNP rs759861388, ClinGen allele CA6678674.
Genomic context (GRCh38, chr12:68,824,425, plus strand): 5'-TCATCGGACTCAGGTACATCTGTGAGTGAGAACAGGTGTCACCTTGAAGGTGGGAGTGAT[C>G]AAAAGGTAATCTAAGTAAATTTCTCATTCTAATGTAATATTATTTGCAAATTGGAAAGGT-3'
Protein context (NP_002383.2, residues 131-151): NRCHLEGGSD[Gln141Glu]KDLVQELQEE